The following is an entry in ClinVar:

ClinVar aggregate classification (germline): Uncertain significance. Review status: criteria provided, multiple submitters, no conflicts (2 of 4 stars). 4 submissions from 4 submitters: Uncertain significance (3). 1 of the submissions does not count toward it. Last evaluated 2025-06-10.

Conditions:
Inborn genetic diseases. Identifiers: MedGen C0950123, MeSH D030342.
VWF-related disorder. Also called: VWF-related condition; VWF-related disorders.

Allele frequency attached by ClinVar (database versions not stated): TOPMed 0.00002.
gnomAD v4.1: 13 of 1,614,144 alleles (0.00081%); highest among the groups gnomAD compares: Admixed American, 0.005%; no homozygotes.

Submissions (4):

GeneDx
Classification: Uncertain significance. Last evaluated: 2025-06-10. Review status: criteria provided, single submitter. Criteria: GeneDx Variant Classification Process June 2021. Collection method: clinical testing. Allele origin: germline. Affected: yes.
Comment: In silico analysis suggests that this missense variant does not alter protein structure/function; Has not been previously published as pathogenic or benign to our knowledge

Ambry Genetics
Classification: Uncertain significance for Inborn genetic diseases. Last evaluated: 2025-05-19. Review status: criteria provided, single submitter. Criteria: Ambry Variant Classification Scheme 2023. Collection method: clinical testing. Allele origin: germline.

Quest Diagnostics Nichols Institute San Juan Capistrano
Classification: Uncertain significance. Last evaluated: 2019-06-10. Review status: criteria provided, single submitter. Criteria: Quest Diagnostics criteria. Collection method: clinical testing. Allele origin: germline.

PreventionGenetics, part of Exact Sciences
Classification: Uncertain significance for VWF-related condition. Last evaluated: 2024-04-10. Review status: no assertion criteria provided. Collection method: clinical testing. Allele origin: germline. Not counted in ClinVar's aggregate classification.
Comment: The VWF c.2146T>G variant is predicted to result in the amino acid substitution p.Phe716Val. To our knowledge, this variant has not been reported in the literature. This variant is reported in 0.018% of alleles in individuals of African descent in gnomAD. At this time, the clinical significance of this variant is uncertain due to the absence of conclusive functional and genetic evidence.

NM_000552.5(VWF):c.2146T>G (p.Phe716Val)

Gene: VWF (von Willebrand factor; minus strand). Cytogenetic location: 12p13.31.
Variant type: single nucleotide variant.
Coding change: c.2146T>G on transcript NM_000552.5 (MANE Select); coding-DNA position 2146, T replaced by G.
Protein change: p.Phe716Val; replaces phenylalanine 716 with valine.
Molecular consequence: missense variant.
Genome position (GRCh38, 1-based): chr12:6,052,583, A>C on the plus strand (T>G on the coding strand, the complement: VWF is on the minus strand). VCF-style: chr12-6052583-A-C. GRCh37 (hg19) VCF-style: chr12-6161749-A-C.
Other names: c.2146T>G (NM_000552.3); short protein forms F716V.
Identifiers: ClinVar variation 801296 (VCV000801296.5), dbSNP rs771858185, ClinGen allele CA6403164.
Genomic context (GRCh38, chr12:6,052,583, plus strand): 5'-ACACTGCTGCCTGCACTTACCACATGGTGTGATGGTCTGAGAAGATGTCTTCTGGCTGGA[A>C]GATCTCACCGTCATAGTAACAGGGGCACTGGGCCTTGGGCACGCAGTCCCCCCTCTCATC-3'
Protein context (NP_000543.3, residues 706-726): QCPCYYDGEI[Phe716Val]QPEDIFSDHH